The following is an entry in ClinVar:

ClinVar aggregate classification (germline): Uncertain significance (1 of 4 stars; one submission).

Conditions:
LAMA2-related muscular dystrophy (LAMA2-RD). Also called: Laminin alpha 2-related dystrophy. Identifiers: MedGen C5679788, MONDO:0100228.

gnomAD v4.1: 2 of 1,613,968 alleles (0.00012%); highest among the groups gnomAD compares: Non-Finnish European, 0.000085%; no homozygotes.

Submission:

Labcorp Genetics (formerly Invitae), Labcorp
Classification: Uncertain significance for LAMA2-related muscular dystrophy. Last evaluated: 2025-12-01. Review status: criteria provided, single submitter. Criteria: Invitae Variant Classification Sherloc (09022015). Collection method: clinical testing. Allele origin: germline.
Comment: This sequence change falls in intron 26 of the LAMA2 gene. It does not directly change the encoded amino acid sequence of the LAMA2 protein. It affects a nucleotide within the consensus splice site. This variant is present in population databases (no rsID available, gnomAD 0.0009%). This variant has not been reported in the literature in individuals affected with LAMA2-related conditions. Variants that disrupt the consensus splice site are a relatively common cause of aberrant splicing (PMID: 17576681, 9536098). Algorithms developed to predict the effect of sequence changes on RNA splicing suggest that this variant is not likely to affect RNA splicing. In summary, the available evidence is currently insufficient to determine the role of this variant in disease. Therefore, it has been classified as a Variant of Uncertain Significance.

Literature cited by the submitters: PubMed 17576681; PubMed 9536098.

NM_000426.4(LAMA2):c.3925-3C>T

Gene: LAMA2 (laminin subunit alpha 2; plus strand). Cytogenetic location: 6q22.33.
Variant type: single nucleotide variant.
Coding change: c.3925-3C>T on transcript NM_000426.4 (MANE Select); 3 bases into the intron before coding-DNA position 3925, C replaced by T.
Molecular consequence: intron variant.
Genome position (GRCh38, 1-based): chr6:129,316,035, C>T. VCF-style: chr6-129316035-C-T. GRCh37 (hg19) VCF-style: chr6-129637180-C-T.
Other names: c.3925-3C>T (NM_001079823.2).
Identifiers: ClinVar variation 4748701 (VCV004748701.1).